The following is an entry in ClinVar:

NM_000701.8(ATP1A1):c.1798C>A (p.Pro600Thr)

Genes: ATP1A1 (ATPase Na+/K+ transporting subunit alpha 1; plus strand), ATP1A1-AS1 (ATP1A1 antisense RNA 1; minus strand). Cytogenetic location: 1p13.1.
Variant type: single nucleotide variant.
Coding change: c.1798C>A on transcript NM_000701.8 (MANE Select); coding-DNA position 1798, C replaced by A.
Protein change: p.Pro600Thr; replaces proline 600 with threonine.
Molecular consequence: missense variant.
Genome position (GRCh38, 1-based): chr1:116,395,247, C>A. VCF-style: chr1-116395247-C-A. GRCh37 (hg19) VCF-style: chr1-116937869-C-A.
Other names: c.1798C>A (NM_001160233.1); c.1798C>A, p.Pro600Thr (NM_001160233.2); c.1705C>A, p.Pro569Thr (NM_001160234.2); short protein forms P600T, P569T.
Identifiers: ClinVar variation 545679 (VCV000545679.6), dbSNP rs1553192091, ClinGen allele CA341771633.

ClinVar aggregate classification (germline): Likely pathogenic. Review status: criteria provided, single submitter (1 of 4 stars). 3 submissions from 3 submitters: Likely pathogenic (1). 2 of the submissions do not count toward it. Last evaluated 2022-09-06.

Conditions:
Charcot-Marie-tooth disease, axonal, type 2DD. Also called: CHARCOT-MARIE-TOOTH NEUROPATHY, TYPE 2DD. Identifiers: Orphanet 521414, MedGen C4747974, MONDO:0054833, OMIM 618036.
Charcot-Marie-Tooth disease type 2A2. Also called: CHARCOT-MARIE-TOOTH DISEASE, NEURONAL, TYPE 2A2; HEREDITARY MOTOR AND SENSORY NEUROPATHY IIA2; HMSN IIA2; Charcot-Marie-Tooth Neuropathy Type 2A2; CHARCOT-MARIE-TOOTH DISEASE, AXONAL, TYPE 2A2; CHARCOT-MARIE-TOOTH DISEASE, AXONAL, AUTOSOMAL DOMINANT, TYPE 2A2A. Identifiers: Orphanet 99947, MedGen C4721887, MONDO:0012231, OMIM 609260.

Submissions (3):

Labcorp Genetics (formerly Invitae), Labcorp
Classification: Likely pathogenic. Last evaluated: 2022-09-06. Review status: criteria provided, single submitter. Criteria: Invitae Variant Classification Sherloc (09022015). Collection method: clinical testing. Allele origin: germline.
Comment: This missense change has been observed in individual(s) with Charcot-Marie-Tooth disease (PMID: 29499166). It has also been observed to segregate with disease in related individuals. In summary, the currently available evidence indicates that the variant is pathogenic, but additional data are needed to prove that conclusively. Therefore, this variant has been classified as Likely Pathogenic. This variant disrupts the p.Pro600 amino acid residue in ATP1A1. Other variant(s) that disrupt this residue have been determined to be pathogenic (PMID: 29499166). This suggests that this residue is clinically significant, and that variants that disrupt this residue are likely to be disease-causing. Experimental studies have shown that this missense change affects ATP1A1 function (PMID: 29499166). Advanced modeling of protein sequence and biophysical properties (such as structural, functional, and spatial information, amino acid conservation, physicochemical variation, residue mobility, and thermodynamic stability) performed at Invitae indicates that this missense variant is not expected to disrupt ATP1A1 protein function. ClinVar contains an entry for this variant (Variation ID: 545679). This variant is not present in population databases (gnomAD no frequency). This sequence change replaces proline, which is neutral and non-polar, with threonine, which is neutral and polar, at codon 600 of the ATP1A1 protein (p.Pro600Thr).

OMIM
Classification: Pathogenic for CHARCOT-MARIE-TOOTH DISEASE, AXONAL, TYPE 2DD. Last evaluated: 2018-06-28. Review status: no assertion criteria provided. Collection method: literature only. Allele origin: germline. Not counted in ClinVar's aggregate classification.

Inherited Neuropathy Consortium Ii, University Of Miami
Classification: Uncertain significance for Charcot-Marie-Tooth disease type 2A2. Last evaluated: 2017-10-07. Review status: no assertion criteria provided. Collection method: literature only. Allele origin: germline. Affected: yes. Not counted in ClinVar's aggregate classification.

Literature cited by the submitters: PubMed 29499166 (cited by Labcorp Genetics (formerly Invitae), Labcorp and OMIM); PubMed 7977350 (cited by Inherited Neuropathy Consortium Ii, University Of Miami).